The following is an entry in ClinVar:

NM_000497.4(CYP11B1):c.124C>T (p.Pro42Ser)

Gene: CYP11B1 (cytochrome P450 family 11 subfamily B member 1; minus strand). Cytogenetic location: 8q24.3.
Variant type: single nucleotide variant.
Coding change: c.124C>T on transcript NM_000497.4 (MANE Select); coding-DNA position 124, C replaced by T.
Protein change: p.Pro42Ser; replaces proline 42 with serine.
Molecular consequence: missense variant.
Genome position (GRCh38, 1-based): chr8:142,879,690, G>A on the plus strand (C>T on the coding strand, the complement: CYP11B1 is on the minus strand). VCF-style: chr8-142879690-G-A. GRCh37 (hg19) VCF-style: chr8-143961106-G-A.
Other names: c.124C>T, p.Pro42Ser (NM_001026213.1); short protein forms P42S.
Identifiers: ClinVar variation 1179 (VCV000001179.13), dbSNP rs104894069, ClinGen allele CA213660.

ClinVar aggregate classification (germline): Conflicting classifications of pathogenicity. Review status: criteria provided, conflicting classifications (1 of 4 stars). 6 submissions from 6 submitters: Pathogenic (1); Likely pathogenic (3); Uncertain significance (1). 1 of the submissions does not count toward it. Last evaluated 2025-12-10.

Conditions:
Glucocorticoid-remediable aldosteronism. Also called: ALDOSTERONISM, SENSITIVE TO DEXAMETHASONE; Hyperaldosteronism, familial, type I; ACTH-DEPENDENT HYPERALDOSTERONISM SYNDROME; FH I; GLUCOCORTICOID-SUPPRESSIBLE HYPERALDOSTERONISM. Identifiers: Orphanet 403, MedGen C3838731, MONDO:0007080, OMIM 103900.
Deficiency of steroid 11-beta-monooxygenase (CYP11B1). Also called: ADRENAL HYPERPLASIA, CONGENITAL, DUE TO STEROID 11-BETA-HYDROXYLASE DEFICIENCY; Congenital adrenal hyperplasia due to 11-beta-hydroxylase deficiency; ADRENAL HYPERPLASIA IV; STEROID 11-BETA-HYDROXYLASE DEFICIENCY; 11-BETA-HYDROXYLASE DEFICIENCY; P450C11B1 DEFICIENCY. Identifiers: Orphanet 90795, MedGen C0268292, MONDO:0008729, OMIM 202010. Disease mechanism: loss of function.
Congenital adrenal hyperplasia. Identifiers: Orphanet 418, MedGen C0001627, MONDO:0018479, HP:0008258.

Allele frequency attached by ClinVar (database versions not stated): gnomAD 0.00001; TOPMed 0.00001; ExAC 0.00002; gnomAD exomes 0.00002 and 0.00005.
gnomAD v4.1: 67 of 1,614,124 alleles (0.0042%); highest among the groups gnomAD compares: Non-Finnish European, 0.0056%; no homozygotes.

Submissions (6):

Labcorp Genetics (formerly Invitae), Labcorp
Classification: Pathogenic. Last evaluated: 2025-12-10. Review status: criteria provided, single submitter. Criteria: Invitae Variant Classification Sherloc (09022015). Collection method: clinical testing. Allele origin: germline.
Comment: This sequence change replaces proline, which is neutral and non-polar, with serine, which is neutral and polar, at codon 42 of the CYP11B1 protein (p.Pro42Ser). This variant is present in population databases (rs104894069, gnomAD 0.004%). This missense change has been observed in individual(s) with congenital adrenal hyperplasia (PMID: 9302260). In at least one individual the data is consistent with being in trans (on the opposite chromosome) from a pathogenic variant. ClinVar contains an entry for this variant (Variation ID: 1179). Invitae Evidence Modeling of protein sequence and biophysical properties (such as structural, functional, and spatial information, amino acid conservation, physicochemical variation, residue mobility, and thermodynamic stability) indicates that this missense variant is expected to disrupt CYP11B1 protein function with a positive predictive value of 95%. Experimental studies have shown that this missense change affects CYP11B1 function (PMID: 9302260, 26053152). This variant disrupts the p.Pro42 amino acid residue in CYP11B1. Other variant(s) that disrupt this residue have been determined to be pathogenic (PMID: 26053152; internal data). This suggests that this residue is clinically significant, and that variants that disrupt this residue are likely to be disease-causing. For these reasons, this variant has been classified as Pathogenic.

Myriad Genetics, Inc.
Classification: Uncertain significance for Deficiency of steroid 11-beta-monooxygenase. Last evaluated: 2025-09-17. Review status: criteria provided, single submitter. Criteria: Myriad Autosomal Dominant, Autosomal Recessive and X-Linked Classification Criteria (2023). Collection method: clinical testing. Allele origin: unknown.
Comment: NM_000497.3(CYP11B1):c.124C>T(P42S) is a missense variant classified as a variant of uncertain significance in the context of congenital adrenal hyperplasia, CYP11B1-related. P42S has been observed in a case with relevant disease (PMID: 9302260). Relevant functional assessments of this variant are available in the literature (PMID: 9302260, 26053152). P42S has been observed in referenced population frequency databases. In summary, there is insufficient evidence to classify NM_000497.3(CYP11B1):c.124C>T(P42S) as pathogenic or benign. Please note: this variant was assessed in the context of healthy population screening.

Women's Health and Genetics/Laboratory Corporation of America, LabCorp
Classification: Likely pathogenic for Congenital adrenal hyperplasia. Last evaluated: 2025-06-05. Review status: criteria provided, single submitter. Criteria: LabCorp Variant Classification Summary - May 2015. Collection method: clinical testing. Allele origin: germline.
Comment: Variant summary: CYP11B1 c.124C>T (p.Pro42Ser) results in a non-conservative amino acid change in the encoded protein sequence. Algorithms developed to predict the effect of missense changes on protein structure and function all suggest that this variant is likely to be disruptive. The variant allele was found at a frequency of 1.6e-05 in 251398 control chromosomes. c.124C>T has been observed in trans with a pathogenic variant in at least 1 individual(s) affected with Congenital Adrenal Hyperplasia (example, Joehrer_1997). A different variant affecting the same codon has been classified as likely pathogenic/pathogenic by our lab (c.125C>T, p.Pro42Leu), supporting the critical relevance of codon 42 to CYP11B1 protein function. At least one publication reports experimental evidence evaluating an impact on protein function. The most pronounced variant effect results in 10%-<30% of normal activity in vitro (example, Joehrer_1997, Moijj_2015). The following publications have been ascertained in the context of this evaluation (PMID: 9302260, 26053152, 21691944, 19309509, 28228528, 35106260, 36929050, 8070425, 39713884, 25073475, 33275286, 18661760, 23940125, 23149595, 30223866, 27928728, 29909741). ClinVar contains an entry for this variant (Variation ID: 1179). Based on the evidence outlined above, the variant was classified as likely pathogenic.

Fulgent Genetics
Classification: Likely pathogenic for Glucocorticoid-remediable aldosteronism; Deficiency of steroid 11-beta-monooxygenase. Last evaluated: 2024-02-27. Review status: criteria provided, single submitter. Criteria: ACMG Guidelines, 2015. Collection method: clinical testing. Allele origin: germline.

Baylor Genetics
Classification: Likely pathogenic for Deficiency of steroid 11-beta-monooxygenase. Last evaluated: 2023-12-21. Review status: criteria provided, single submitter. Criteria: ACMG Guidelines, 2015. Collection method: clinical testing. Allele origin: unknown.

OMIM
Classification: Pathogenic for ADRENAL HYPERPLASIA, CONGENITAL, DUE TO STEROID 11-BETA-HYDROXYLASE DEFICIENCY. Last evaluated: 1997-10-01. Review status: no assertion criteria provided. Collection method: literature only. Allele origin: germline. Not counted in ClinVar's aggregate classification.

Literature cited by the submitters: PubMed 9302260 (cited by 4 submitters); PubMed 26053152 (cited by 3 submitters); PubMed 8070425 (cited by Women's Health and Genetics/Laboratory Corporation of America, LabCorp); PubMed 18661760 (cited by Women's Health and Genetics/Laboratory Corporation of America, LabCorp); PubMed 19309509 (cited by Women's Health and Genetics/Laboratory Corporation of America, LabCorp); PubMed 28228528 (cited by Women's Health and Genetics/Laboratory Corporation of America, LabCorp); PubMed 33275286 (cited by Women's Health and Genetics/Laboratory Corporation of America, LabCorp); PubMed 23940125 (cited by Women's Health and Genetics/Laboratory Corporation of America, LabCorp); PubMed 30223866 (cited by Women's Health and Genetics/Laboratory Corporation of America, LabCorp); PubMed 36929050 (cited by Women's Health and Genetics/Laboratory Corporation of America, LabCorp); PubMed 29909741 (cited by Women's Health and Genetics/Laboratory Corporation of America, LabCorp); PubMed 21691944 (cited by Women's Health and Genetics/Laboratory Corporation of America, LabCorp); PubMed 35106260 (cited by Women's Health and Genetics/Laboratory Corporation of America, LabCorp); PubMed 27928728 (cited by Women's Health and Genetics/Laboratory Corporation of America, LabCorp); PubMed 39713884 (cited by Women's Health and Genetics/Laboratory Corporation of America, LabCorp); PubMed 23149595 (cited by Women's Health and Genetics/Laboratory Corporation of America, LabCorp); PubMed 25073475 (cited by Women's Health and Genetics/Laboratory Corporation of America, LabCorp).